The following is an entry in ClinVar:

ClinVar aggregate classification (germline): Uncertain significance. Review status: criteria provided, multiple submitters, no conflicts (2 of 4 stars). 2 submissions from 2 submitters: Uncertain significance (2). Last evaluated 2024-05-14.

Conditions:
Cardiovascular phenotype. Identifiers: MedGen CN230736.
ANKRD1-related dilated cardiomyopathy. Identifiers: MedGen CN119551.

Allele frequency attached by ClinVar (database versions not stated): gnomAD exomes below 0.00001; ExAC 0.00001; TOPMed 0.00003; gnomAD 0.00005; ESP Exome Variant Server 0.00015.
gnomAD v4.1: 14 of 1,613,610 alleles (0.00087%); highest among the groups gnomAD compares: African/African-American, 0.019%; no homozygotes.

Submissions (2):

Labcorp Genetics (formerly Invitae), Labcorp
Classification: Uncertain significance for ANKRD1-related dilated cardiomyopathy. Last evaluated: 2024-05-14. Review status: criteria provided, single submitter. Criteria: Invitae Variant Classification Sherloc (09022015). Collection method: clinical testing. Allele origin: germline.
Comment: This sequence change replaces glutamic acid, which is acidic and polar, with lysine, which is basic and polar, at codon 236 of the ANKRD1 protein (p.Glu236Lys). This variant is present in population databases (rs372059040, gnomAD 0.01%). This variant has not been reported in the literature in individuals affected with ANKRD1-related conditions. ClinVar contains an entry for this variant (Variation ID: 1756994). Advanced modeling of protein sequence and biophysical properties (such as structural, functional, and spatial information, amino acid conservation, physicochemical variation, residue mobility, and thermodynamic stability) has been performed at Invitae for this missense variant, however the output from this modeling did not meet the statistical confidence thresholds required to predict the impact of this variant on ANKRD1 protein function. In summary, the available evidence is currently insufficient to determine the role of this variant in disease. Therefore, it has been classified as a Variant of Uncertain Significance.

Ambry Genetics
Classification: Uncertain significance for Cardiovascular phenotype. Last evaluated: 2023-10-27. Review status: criteria provided, single submitter. Criteria: Ambry Variant Classification Scheme 2023. Collection method: clinical testing. Allele origin: germline.
Comment: The p.E236K variant (also known as c.706G>A), located in coding exon 7 of the ANKRD1 gene, results from a G to A substitution at nucleotide position 706. The glutamic acid at codon 236 is replaced by lysine, an amino acid with similar properties. This amino acid position is highly conserved in available vertebrate species. In addition, the in silico prediction for this alteration is inconclusive. Since supporting evidence is limited at this time, the clinical significance of this alteration remains unclear.

NM_014391.3(ANKRD1):c.706G>A (p.Glu236Lys)

Gene: ANKRD1 (ankyrin repeat domain 1; minus strand). Cytogenetic location: 10q23.31.
Variant type: single nucleotide variant.
Coding change: c.706G>A on transcript NM_014391.3 (MANE Select); coding-DNA position 706, G replaced by A.
Protein change: p.Glu236Lys; replaces glutamic acid 236 with lysine.
Molecular consequence: missense variant.
Genome position (GRCh38, 1-based): chr10:90,915,826, C>T on the plus strand (G>A on the coding strand, the complement: ANKRD1 is on the minus strand). VCF-style: chr10-90915826-C-T. GRCh37 (hg19) VCF-style: chr10-92675583-C-T.
Other names: short protein forms E236K.
Identifiers: ClinVar variation 1756994 (VCV001756994.7), dbSNP rs372059040, ClinGen allele CA5598645.